The following is an entry in ClinVar:

NM_001395656.1(ROBO2):c.919A>T (p.Thr307Ser)

Gene: ROBO2 (roundabout guidance receptor 2; plus strand). Cytogenetic location: 3p12.3.
Variant type: single nucleotide variant.
Coding change: c.919A>T on transcript NM_001395656.1 (MANE Select); coding-DNA position 919, A replaced by T.
Protein change: p.Thr307Ser; replaces threonine 307 with serine.
Molecular consequence: missense variant. On other transcripts: 5 prime UTR variant (1).
Genome position (GRCh38, 1-based): chr3:77,522,887, A>T. VCF-style: chr3-77522887-A-T. GRCh37 (hg19) VCF-style: chr3-77572038-A-T.
Other names: c.967A>T, p.Thr323Ser (NM_001128929.3, NM_001378190.1, NM_001378191.1 and 5 more transcripts); c.919A>T, p.Thr307Ser (NM_001290039.2, NM_001290040.2, NM_001378193.1 and 3 more transcripts); c.-1000A>T (NM_001290065.2); c.988A>T, p.Thr330Ser (NM_001378192.1, NM_001378194.1, NM_001378198.1 and 5 more transcripts); short protein forms T307S, T323S, T330S.
Identifiers: ClinVar variation 4801739 (VCV004801739.1).

ClinVar aggregate classification (germline): Uncertain significance (1 of 4 stars; one submission).

Submission:

Labcorp Genetics (formerly Invitae), Labcorp
Classification: Uncertain significance. Last evaluated: 2025-11-15. Review status: criteria provided, single submitter. Criteria: Invitae Variant Classification Sherloc (09022015). Collection method: clinical testing. Allele origin: germline.
Comment: This sequence change replaces threonine, which is neutral and polar, with serine, which is neutral and polar, at codon 307 of the ROBO2 protein (p.Thr307Ser). This variant is not present in population databases (gnomAD no frequency). This variant has not been reported in the literature in individuals affected with ROBO2-related conditions. Invitae Evidence Modeling of protein sequence and biophysical properties (such as structural, functional, and spatial information, amino acid conservation, physicochemical variation, residue mobility, and thermodynamic stability) indicates that this missense variant is not expected to disrupt ROBO2 protein function with a negative predictive value of 95%. In summary, the available evidence is currently insufficient to determine the role of this variant in disease. Therefore, it has been classified as a Variant of Uncertain Significance.